The following is an entry in ClinVar:

NM_017617.5(NOTCH1):c.4969A>T (p.Ser1657Cys)

Gene: NOTCH1 (notch receptor 1; minus strand). Cytogenetic location: 9q34.3.
Variant type: single nucleotide variant.
Coding change: c.4969A>T on transcript NM_017617.5 (MANE Select); coding-DNA position 4969, A replaced by T.
Protein change: p.Ser1657Cys; replaces serine 1657 with cysteine.
Molecular consequence: missense variant.
Genome position (GRCh38, 1-based): chr9:136,504,722, T>A on the plus strand (A>T on the coding strand, the complement: NOTCH1 is on the minus strand). VCF-style: chr9-136504722-T-A. GRCh37 (hg19) VCF-style: chr9-139399174-T-A.
Other names: short protein forms S1657C.
Identifiers: ClinVar variation 3001559 (VCV003001559.3), dbSNP rs1843049969, ClinGen allele CA375644187.

ClinVar aggregate classification (germline): Uncertain significance (1 of 4 stars; one submission).

Conditions:
Adams-Oliver syndrome 5 (AOS5). Identifiers: Orphanet 974, MedGen C4014970, MONDO:0014459, OMIM 616028.

Submission:

Labcorp Genetics (formerly Invitae), Labcorp
Classification: Uncertain significance for Adams-Oliver syndrome 5. Last evaluated: 2023-04-27. Review status: criteria provided, single submitter. Criteria: Invitae Variant Classification Sherloc (09022015). Collection method: clinical testing. Allele origin: germline.
Comment: This variant has not been reported in the literature in individuals affected with NOTCH1-related conditions. This variant is not present in population databases (gnomAD no frequency). This sequence change replaces serine, which is neutral and polar, with cysteine, which is neutral and slightly polar, at codon 1657 of the NOTCH1 protein (p.Ser1657Cys). Advanced modeling of protein sequence and biophysical properties (such as structural, functional, and spatial information, amino acid conservation, physicochemical variation, residue mobility, and thermodynamic stability) performed at Invitae indicates that this missense variant is not expected to disrupt NOTCH1 protein function. In summary, the available evidence is currently insufficient to determine the role of this variant in disease. Therefore, it has been classified as a Variant of Uncertain Significance.